The following is an entry in ClinVar:

ClinVar aggregate classification (germline): Uncertain significance (1 of 4 stars; one submission).

Conditions:
Adams-Oliver syndrome 5 (AOS5). Identifiers: Orphanet 974, MedGen C4014970, MONDO:0014459, OMIM 616028.

gnomAD v4.1: 1 of 1,612,458 alleles (0.000062%); highest among the groups gnomAD compares: African/African-American, 0.0013%; no homozygotes.

Submission:

Labcorp Genetics (formerly Invitae), Labcorp
Classification: Uncertain significance for Adams-Oliver syndrome 5. Last evaluated: 2025-02-20. Review status: criteria provided, single submitter. Criteria: Invitae Variant Classification Sherloc (09022015). Collection method: clinical testing. Allele origin: germline.
Comment: This sequence change falls in intron 18 of the NOTCH1 gene. It does not directly change the encoded amino acid sequence of the NOTCH1 protein. It affects a nucleotide within the consensus splice site. This variant is not present in population databases (gnomAD no frequency). This variant has not been reported in the literature in individuals affected with NOTCH1-related conditions. Variants that disrupt the consensus splice site are a relatively common cause of aberrant splicing (PMID: 17576681, 9536098). Algorithms developed to predict the effect of sequence changes on RNA splicing suggest that this variant may disrupt the consensus splice site. In summary, the available evidence is currently insufficient to determine the role of this variant in disease. Therefore, it has been classified as a Variant of Uncertain Significance.

Literature cited by the submitters: PubMed 17576681; PubMed 9536098.

NM_017617.5(NOTCH1):c.2969+5G>T

Gene: NOTCH1 (notch receptor 1; minus strand). Cytogenetic location: 9q34.3.
Variant type: single nucleotide variant.
Coding change: c.2969+5G>T on transcript NM_017617.5 (MANE Select); 5 bases into the intron after coding-DNA position 2969, G replaced by T.
Molecular consequence: intron variant.
Genome position (GRCh38, 1-based): chr9:136,509,728, C>A on the plus strand (G>T on the coding strand, the complement: NOTCH1 is on the minus strand). VCF-style: chr9-136509728-C-A. GRCh37 (hg19) VCF-style: chr9-139404180-C-A.
Identifiers: ClinVar variation 4713558 (VCV004713558.1).